The following is an entry in ClinVar:

NM_001365276.2(TNXB):c.8393G>A (p.Arg2798His)

Gene: TNXB (tenascin XB; minus strand). Cytogenetic location: 6p21.33.
Variant type: single nucleotide variant.
Coding change: c.8393G>A on transcript NM_001365276.2 (MANE Select); coding-DNA position 8393, G replaced by A.
Protein change: p.Arg2798His; replaces arginine 2798 with histidine.
Molecular consequence: missense variant.
Genome position (GRCh38, 1-based): chr6:32,055,925, C>T on the plus strand (G>A on the coding strand, the complement: TNXB is on the minus strand). VCF-style: chr6-32055925-C-T. GRCh37 (hg19) VCF-style: chr6-32023702-C-T.
Other names: c.8393G>A, p.Arg2798His (NM_019105.8); short protein forms R2798H.
Identifiers: ClinVar variation 1702354 (VCV001702354.8), dbSNP rs372230994, ClinGen allele CA3733858.
Genomic context (GRCh38, chr6:32,055,925, plus strand): 5'-GTGGACACCGGGCCCACACGCCGCCCCTCGTGGAGGCCGTACAGGTGCATCTTGTATTTG[C>T]GCCCGGGCTCCAGGCCCCCCACGGTGACCTCGCTCTCCTCGCCCCTGACACGCATCACCT-3'
Protein context (NP_001352205.1, residues 2788-2808): EVTVGGLEPG[Arg2798His]KYKMHLYGLH

ClinVar aggregate classification (germline): Conflicting classifications of pathogenicity. Review status: criteria provided, conflicting classifications (1 of 4 stars). 3 submissions from 3 submitters: Uncertain significance (2); Likely benign (1). Last evaluated 2023-12-12.

Conditions:
Ehlers-Danlos syndrome (EDS). Identifiers: Orphanet 98249, MedGen C0013720, MONDO:0020066.
Cardiovascular phenotype. Identifiers: MedGen CN230736.

Allele frequency attached by ClinVar (database versions not stated): ExAC 0.00004; gnomAD exomes 0.00004 and 0.00012; gnomAD 0.00005; TOPMed 0.00005; ESP Exome Variant Server 0.00013.
gnomAD v4.1: 189 of 1,613,340 alleles (0.012%); highest among the groups gnomAD compares: Non-Finnish European, 0.015%; no homozygotes.

Submissions (3):

Ambry Genetics
Classification: Likely benign for Cardiovascular phenotype. Last evaluated: 2023-12-12. Review status: criteria provided, single submitter. Criteria: Ambry Variant Classification Scheme 2023. Collection method: clinical testing. Allele origin: germline.

GeneDx
Classification: Uncertain significance. Last evaluated: 2023-07-11. Review status: criteria provided, single submitter. Criteria: GeneDx Variant Classification Process June 2021. Collection method: clinical testing. Allele origin: germline. Affected: yes.
Comment: Has not been previously published as pathogenic or benign to our knowledge; In silico analysis supports that this missense variant does not alter protein structure/function

Genome Diagnostics Laboratory, The Hospital for Sick Children
Classification: Uncertain significance for Ehlers-Danlos syndrome. Last evaluated: 2021-03-18. Review status: criteria provided, single submitter. Criteria: ACMG Guidelines, 2015. Collection method: clinical testing. Allele origin: germline.